The following is an entry in ClinVar:

ClinVar aggregate classification (germline): Likely pathogenic (0 of 4 stars; one submission).

Conditions:
Joubert syndrome 10 (JBTS10). Identifiers: Orphanet 2754, MedGen C2749019, MONDO:0010431, OMIM 300804.

Submission:

Department of Pediatrics, National Cheng-Kung University Hospital
Classification: Likely pathogenic for Joubert syndrome 10. Review status: no assertion criteria provided. Collection method: clinical testing. Allele origin: germline. Inheritance: X-linked recessive inheritance. Affected: yes.
Comment: The p.Lys658Ter allele in OFD1 is a novel variant predicted to be pathogenic by multiple in silico predictive software. The clinical manifestations include neurodevelopmental abnormalities and the distinctive molar tooth sign (MTS) observed on brain magnetic resonance imaging (MRI). In summary, the variant meets one very strong (PVS1), one moderate (PM2), and two supporting (PP3 and PP4) ACMG criteria during variant interpretation. It is interpreted as pathogenic by ACMG guideline. However, additional experimental data are needed to provide final evidence. Therefore, this variant was classified as likely Pathogenic.

NM_003611.3(OFD1):c.1972A>T (p.Lys658Ter)

Gene: OFD1 (OFD1 centriole and centriolar satellite protein; plus strand). Cytogenetic location: Xp22.2.
Variant type: single nucleotide variant.
Coding change: c.1972A>T on transcript NM_003611.3 (MANE Select); coding-DNA position 1972, A replaced by T.
Protein change: p.Lys658Ter; replaces lysine 658 with a stop codon.
Molecular consequence: nonsense.
Genome position (GRCh38, 1-based): chrX:13,760,432, A>T. VCF-style: chrX-13760432-A-T. GRCh37 (hg19) VCF-style: chrX-13778551-A-T.
Other names: c.1852A>T, p.Lys618Ter (NM_001330209.2); c.1552A>T, p.Lys518Ter (NM_001330210.2); short protein forms K518*, K618*, K658*.
Identifiers: ClinVar variation 2584778 (VCV002584778.3), dbSNP rs2518939102, ClinGen allele CA412344239.